The following is an entry in ClinVar:

ClinVar aggregate classification (germline): Uncertain significance (1 of 4 stars; one submission).

Allele frequency attached by ClinVar (database versions not stated): gnomAD below 0.00001 and 0.00001; gnomAD exomes 0.00003 and 0.00004; ExAC 0.00005.
gnomAD v4.1: 41 of 1,612,780 alleles (0.0025%); highest among the groups gnomAD compares: South Asian, 0.041%; 1 homozygote.

Submission:

ARUP Laboratories, Molecular Genetics and Genomics, ARUP Laboratories
Classification: Uncertain significance. Last evaluated: 2018-01-23. Review status: criteria provided, single submitter. Criteria: ARUP Molecular Germline Variant Investigation Process. Collection method: clinical testing. Allele origin: germline.
Comment: The GP6: c.505A>G; p.Thr169Ala variant (rs777476310), to our knowledge, is not reported in the medical literature, gene specific variation databases, nor has it been previously identified by our laboratory. This variant is listed in the genome Aggregation Database (gnomAD) with a South Asian population frequency of 0.003 % (identified on 10 out of 30,782 chromosomes). The threonine at position 169 is highly conserved, up to Elephant (considering 9 species, Alamut v2.10.0) but computational analyses of the effects of the p.Thr169Ala variant on protein structure and function predict a neutral effect (SIFT: tolerated, MutationTaster: polymorphism, PolyPhen-2: benign). Altogether, there is not enough evidence to classify the p.Thr169Ala variant with certainty.

NM_016363.5(GP6):c.505A>G (p.Thr169Ala)

Gene: GP6 (glycoprotein VI platelet; minus strand). Cytogenetic location: 19q13.42.
Variant type: single nucleotide variant.
Coding change: c.505A>G on transcript NM_016363.5 (MANE Select); coding-DNA position 505, A replaced by G.
Protein change: p.Thr169Ala; replaces threonine 169 with alanine.
Molecular consequence: missense variant.
Genome position (GRCh38, 1-based): chr19:55,027,683, T>C on the plus strand (A>G on the coding strand, the complement: GP6 is on the minus strand). VCF-style: chr19-55027683-T-C. GRCh37 (hg19) VCF-style: chr19-55539051-T-C.
Other names: c.505A>G, p.Thr169Ala (LRG_560t3, LRG_560t2, LRG_560t1 and 2 more transcripts); short protein forms T169A.
Identifiers: ClinVar variation 618669 (VCV000618669.9), dbSNP rs777476310, ClinGen allele CA310130087.